The following is an entry in ClinVar:

ClinVar aggregate classification (germline): Likely benign (1 of 4 stars; one submission).

Conditions:
PLXNA4-related disorder. Also called: PLXNA4-related condition.

gnomAD v4.1: 9 of 1,613,278 alleles (0.00056%); highest among the groups gnomAD compares: Admixed American, 0.0033%; no homozygotes.

Submission:

PreventionGenetics, part of Exact Sciences
Classification: Likely benign for PLXNA4-related condition. Last evaluated: 2024-11-25. Review status: criteria provided, single submitter. Criteria: ACMG Guidelines, 2015. Collection method: clinical testing. Allele origin: germline.
Comment: This variant is classified as likely benign based on ACMG/AMP sequence variant interpretation guidelines (Richards et al. 2015 PMID: 25741868, with internal and published modifications).

NM_020911.2(PLXNA4):c.4320T>C (p.Asn1440=)

Gene: PLXNA4 (plexin A4; minus strand). Cytogenetic location: 7q32.3.
Variant type: single nucleotide variant.
Coding change: c.4320T>C on transcript NM_020911.2 (MANE Select); coding-DNA position 4320, T replaced by C.
Protein change: p.Asn1440=; no amino-acid change (asparagine 1440 retained).
Molecular consequence: synonymous variant.
Genome position (GRCh38, 1-based): chr7:132,165,167, A>G on the plus strand (T>C on the coding strand, the complement: PLXNA4 is on the minus strand). VCF-style: chr7-132165167-A-G. GRCh37 (hg19) VCF-style: chr7-131849926-A-G.
Other names: c.4320T>C, p.Asn1440= (NM_001393897.1).
Identifiers: ClinVar variation 5001277 (VCV005001277.1).